The following is an entry in ClinVar:

NM_000133.4(F9):c.718T>G (p.Trp240Gly)

Gene: F9 (coagulation factor IX; plus strand). Cytogenetic location: Xq27.1.
Variant type: single nucleotide variant.
Coding change: c.718T>G on transcript NM_000133.4 (MANE Select); coding-DNA position 718, T replaced by G.
Protein change: p.Trp240Gly; replaces tryptophan 240 with glycine.
Molecular consequence: missense variant.
Genome position (GRCh38, 1-based): chrX:139,551,259, T>G. VCF-style: chrX-139551259-T-G. GRCh37 (hg19) VCF-style: chrX-138633418-T-G.
Other names: c.604T>G, p.Trp202Gly (NM_001313913.2); short protein forms W202G, W240G.
Identifiers: ClinVar variation 1491111 (VCV001491111.8), dbSNP rs1390220758, ClinGen allele CA414441395.

ClinVar aggregate classification (germline): Likely pathogenic (1 of 4 stars; one submission).

Conditions:
Hereditary factor IX deficiency disease (HEMB). Also called: Hemophilia B; Christmas Disease; F9 DEFICIENCY; FACTOR IX DEFICIENCY; PLASMA THROMBOPLASTIN COMPONENT DEFICIENCY. Identifiers: Orphanet 98879, MedGen C0008533, MeSH D002836, MONDO:0010604, OMIM 306900.
Thrombophilia, X-linked, due to factor 9 defect. Identifiers: MedGen C2749016, MONDO:0010432, OMIM 300807.

Submission:

Labcorp Genetics (formerly Invitae), Labcorp
Classification: Likely pathogenic for Thrombophilia, X-linked, due to factor 9 defect; Hereditary factor IX deficiency disease. Last evaluated: 2021-03-03. Review status: criteria provided, single submitter. Criteria: Invitae Variant Classification Sherloc (09022015). Collection method: clinical testing. Allele origin: germline.
Comment: This sequence change replaces tryptophan with glycine at codon 240 of the F9 protein (p.Trp240Gly). The tryptophan residue is highly conserved and there is a large physicochemical difference between tryptophan and glycine. This variant is not present in population databases (ExAC no frequency). This variant has been observed in individual(s) with factor IX deficiency (Invitae). Advanced modeling of protein sequence and biophysical properties (such as structural, functional, and spatial information, amino acid conservation, physicochemical variation, residue mobility, and thermodynamic stability) performed at Invitae indicates that this missense variant is expected to disrupt F9 protein function. This variant disrupts the p.Trp240 amino acid residue in F9. Other variant(s) that disrupt this residue have been observed in individuals with F9-related conditions (PMID: 1579901, 16270648, 22544209), which suggests that this may be a clinically significant amino acid residue. In summary, the currently available evidence indicates that the variant is pathogenic, but additional data are needed to prove that conclusively. Therefore, this variant has been classified as Likely Pathogenic.

Literature cited by the submitters: PubMed 1579901; PubMed 16270648; PubMed 22544209.